The following is an entry in ClinVar:

NM_080680.3(COL11A2):c.3313-20_3313-17del

Gene: COL11A2 (collagen type XI alpha 2 chain; minus strand). Cytogenetic location: 6p21.32.
Variant type: Deletion.
Coding change: c.3313-20_3313-17del on transcript NM_080680.3 (MANE Select); 20 bases into the intron before coding-DNA position 3313 through 17 bases into the intron before coding-DNA position 3313, 4 bases deleted (GACT; older notation c.3313-20_3313-17delGACT).
Molecular consequence: intron variant.
Genome position (GRCh38, 1-based): chr6:33,171,184-33,171,187, AGTC deleted on the plus strand (GACT on the coding strand, the reverse complement: COL11A2 is on the minus strand); deleting any 4 consecutive bases within chr6:33,171,184-33,171,189 gives the same sequence; the c. name uses the placement nearest the transcript's 3' end. VCF-style (leftmost placement, unchanged base first): chr6-33171183-GAGTC-G. GRCh37 (hg19) VCF-style: chr6-33138960-GAGTC-G.
Other names: c.3313-20_3313-17delGACT (NM_080680.2); c.2992-20_2992-17del (NM_080679.3); c.3055-20_3055-17del (NM_080681.3).
Identifiers: ClinVar variation 508322 (VCV000508322.13), dbSNP rs574904915, ClinGen allele CA3750560.

ClinVar aggregate classification (germline): Benign/Likely benign. Review status: criteria provided, multiple submitters, no conflicts (2 of 4 stars). 4 submissions from 4 submitters: Benign (3); Likely benign (1). Last evaluated 2026-02-01.

Submissions (4):

Labcorp Genetics (formerly Invitae), Labcorp
Classification: Benign. Last evaluated: 2026-02-01. Review status: criteria provided, single submitter. Criteria: Invitae Variant Classification Sherloc (09022015). Collection method: clinical testing. Allele origin: germline.

ARUP Laboratories, Molecular Genetics and Genomics, ARUP Laboratories
Classification: Benign. Last evaluated: 2025-02-25. Review status: criteria provided, single submitter. Criteria: ARUP Molecular Germline Variant Investigation Process 2024. Collection method: clinical testing. Allele origin: germline.

Blueprint Genetics
Classification: Likely benign. Last evaluated: 2024-11-26. Review status: criteria provided, single submitter. Criteria: ACMG Guidelines, 2015. Collection method: clinical testing. Allele origin: germline.

GeneDx
Classification: Benign. Last evaluated: 2017-05-15. Review status: criteria provided, single submitter. Criteria: GeneDx Variant Classification (06012015). Collection method: clinical testing. Allele origin: germline. Affected: yes.
Comment: This variant is considered likely benign or benign based on one or more of the following criteria: it is a conservative change, it occurs at a poorly conserved position in the protein, it is predicted to be benign by multiple in silico algorithms, and/or has population frequency not consistent with disease.